The following is an entry in ClinVar:

ClinVar aggregate classification (germline): Uncertain significance (1 of 4 stars; one submission).

Conditions:
Duchenne muscular dystrophy (DMD). Also called: MUSCULAR DYSTROPHY, PSEUDOHYPERTROPHIC PROGRESSIVE, DUCHENNE TYPE; Duchenne Muscular Dystrophy (DMD). Identifiers: Orphanet 98896, MedGen C0013264, MONDO:0010679, OMIM 310200.

Submission:

Labcorp Genetics (formerly Invitae), Labcorp
Classification: Uncertain significance for Duchenne muscular dystrophy. Last evaluated: 2023-07-21. Review status: criteria provided, single submitter. Criteria: Invitae Variant Classification Sherloc (09022015). Collection method: clinical testing. Allele origin: germline.
Comment: In summary, the available evidence is currently insufficient to determine the role of this variant in disease. Therefore, it has been classified as a Variant of Uncertain Significance. This sequence change replaces leucine, which is neutral and non-polar, with isoleucine, which is neutral and non-polar, at codon 3506 of the DMD protein (p.Leu3506Ile). This variant is not present in population databases (gnomAD no frequency). This variant has not been reported in the literature in individuals affected with DMD-related conditions. Advanced modeling of protein sequence and biophysical properties (such as structural, functional, and spatial information, amino acid conservation, physicochemical variation, residue mobility, and thermodynamic stability) performed at Invitae indicates that this missense variant is not expected to disrupt DMD protein function.

NM_004006.3(DMD):c.10516C>A (p.Leu3506Ile)

Gene: DMD (dystrophin; minus strand). Cytogenetic location: Xp21.2.
Variant type: single nucleotide variant.
Coding change: c.10516C>A on transcript NM_004006.3 (MANE Select); coding-DNA position 10516, C replaced by A.
Protein change: p.Leu3506Ile; replaces leucine 3506 with isoleucine.
Molecular consequence: missense variant. On other transcripts: intron variant (2).
Genome position (GRCh38, 1-based): chrX:31,169,480, G>T on the plus strand (C>A on the coding strand, the complement: DMD is on the minus strand). VCF-style: chrX-31169480-G-T. GRCh37 (hg19) VCF-style: chrX-31187597-G-T.
Other names: c.10492C>A, p.Leu3498Ile (NM_000109.4); c.10504C>A, p.Leu3502Ile (NM_004009.3); c.10147C>A, p.Leu3383Ile (NM_004010.3); c.6493C>A, p.Leu2165Ile (NM_004011.4); c.6484C>A, p.Leu2162Ile (NM_004012.4); c.3136C>A, p.Leu1046Ile (NM_004013.3, NM_004021.3); c.2329C>A, p.Leu777Ile (NM_004014.3); c.1312C>A, p.Leu438Ile (NM_004015.3, NM_004016.3); and 3 more; short protein forms L1046I, L3502I, L1033I, L3498I, L425I, L438I, L2162I, L2165I.
Identifiers: ClinVar variation 2742714 (VCV002742714.3), dbSNP rs2519777964, ClinGen allele CA412651802.